The following is an entry in ClinVar:

ClinVar aggregate classification (germline): Pathogenic (1 of 4 stars; one submission).

Conditions:
BAP1-related tumor predisposition syndrome (TPDS1). Also called: TUMOR PREDISPOSITION SYNDROME 1; Tumor susceptibility linked to germline BAP1 mutations; COMMON Syndrome; BAP1 tumor predisposition syndrome. Identifiers: Orphanet 289539, MedGen C3280492, MONDO:0013692, OMIM 614327.

Submission:

Labcorp Genetics (formerly Invitae), Labcorp
Classification: Pathogenic for BAP1-related tumor predisposition syndrome. Last evaluated: 2022-04-22. Review status: criteria provided, single submitter. Criteria: Invitae Variant Classification Sherloc (09022015). Collection method: clinical testing. Allele origin: germline.
Comment: This variant has not been reported in the literature in individuals affected with BAP1-related conditions. For these reasons, this variant has been classified as Pathogenic. This variant is not present in population databases (gnomAD no frequency). This sequence change creates a premature translational stop signal (p.Ser58Lysfs*8) in the BAP1 gene. It is expected to result in an absent or disrupted protein product. Loss-of-function variants in BAP1 are known to be pathogenic (PMID: 21874000, 23684012).

Literature cited by the submitters: PubMed 21874000; PubMed 23684012.

NM_004656.4(BAP1):c.172_179del (p.Ser58fs)

Gene: BAP1 (BRCA1 associated deubiquitinase 1; minus strand). Cytogenetic location: 3p21.1.
Variant type: Deletion.
Coding change: c.172_179del on transcript NM_004656.4 (MANE Select); coding-DNA positions 172 to 179, 8 bases deleted (TCCCGGCG; older notation c.172_179delTCCCGGCG).
Protein change: p.Ser58fs; shifts the reading frame from serine 58.
Molecular consequence: frameshift variant.
Genome position (GRCh38, 1-based): chr3:52,408,550-52,408,557, CGCCGGGA deleted on the plus strand (TCCCGGCG on the coding strand, the reverse complement: BAP1 is on the minus strand); deleting any 8 consecutive bases within chr3:52,408,550-52,408,558 gives the same sequence; the c. name uses the placement nearest the transcript's 3' end. VCF-style (leftmost placement, unchanged base first): chr3-52408549-TCGCCGGGA-T. GRCh37 (hg19) VCF-style: chr3-52442565-TCGCCGGGA-T.
Other names: c.171_178delGTCCCGGC, p.Ser58Lysfs (NM_001410772.1); short protein forms S58fs.
Identifiers: ClinVar variation 2109023 (VCV002109023.4), dbSNP rs2471358086, ClinGen allele CA645530019.